The following is an entry in ClinVar:

ClinVar aggregate classification (germline): Uncertain significance. Review status: criteria provided, single submitter (1 of 4 stars). 2 submissions from 2 submitters: Uncertain significance (1). 1 of the submissions does not count toward it. Last evaluated 2025-10-05.

Conditions:
Epidermolysis bullosa dystrophica inversa, autosomal recessive. Identifiers: MedGen C2673612.

Allele frequency attached by ClinVar (database versions not stated): TOPMed 0.00002; gnomAD 0.00001.
gnomAD v4.1: 26 of 1,613,982 alleles (0.0016%); highest among the groups gnomAD compares: Non-Finnish European, 0.0022%; no homozygotes.

Submissions (2):

Labcorp Genetics (formerly Invitae), Labcorp
Classification: Uncertain significance. Last evaluated: 2025-10-05. Review status: criteria provided, single submitter. Criteria: Invitae Variant Classification Sherloc (09022015). Collection method: clinical testing. Allele origin: germline.
Comment: This sequence change replaces proline, which is neutral and non-polar, with glutamine, which is neutral and polar, at codon 2326 of the COL7A1 protein (p.Pro2326Gln). This variant is present in population databases (rs763000800, gnomAD 0.002%). This variant has not been reported in the literature in individuals affected with COL7A1-related conditions. ClinVar contains an entry for this variant (Variation ID: 990825). Invitae Evidence Modeling of protein sequence and biophysical properties (such as structural, functional, and spatial information, amino acid conservation, physicochemical variation, residue mobility, and thermodynamic stability) has been performed for this missense variant. However, the output from this modeling did not meet the statistical confidence thresholds required to predict the impact of this variant on COL7A1 protein function. In summary, the available evidence is currently insufficient to determine the role of this variant in disease. Therefore, it has been classified as a Variant of Uncertain Significance.

Natera, Inc.
Classification: Uncertain significance for Autosomal recessive epidermolysis bullosa dystrophica inversa. Last evaluated: 2020-08-21. Review status: no assertion criteria provided. Collection method: clinical testing. Allele origin: germline. Not counted in ClinVar's aggregate classification.

NM_000094.4(COL7A1):c.6977C>A (p.Pro2326Gln)

Gene: COL7A1 (collagen type VII alpha 1 chain; minus strand). Cytogenetic location: 3p21.31.
Variant type: single nucleotide variant.
Coding change: c.6977C>A on transcript NM_000094.4 (MANE Select); coding-DNA position 6977, C replaced by A.
Protein change: p.Pro2326Gln; replaces proline 2326 with glutamine.
Molecular consequence: missense variant.
Genome position (GRCh38, 1-based): chr3:48,572,381, G>T on the plus strand (C>A on the coding strand, the complement: COL7A1 is on the minus strand). VCF-style: chr3-48572381-G-T. GRCh37 (hg19) VCF-style: chr3-48609814-G-T.
Other names: short protein forms P2326Q.
Identifiers: ClinVar variation 990825 (VCV000990825.4), dbSNP rs763000800, ClinGen allele CA2378758.